The following is an entry in ClinVar:

NM_012401.4(PLXNB2):c.212C>T (p.Pro71Leu)

Gene: PLXNB2 (plexin B2; minus strand). Cytogenetic location: 22q13.33.
Variant type: single nucleotide variant.
Coding change: c.212C>T on transcript NM_012401.4 (MANE Select); coding-DNA position 212, C replaced by T.
Protein change: p.Pro71Leu; replaces proline 71 with leucine.
Molecular consequence: missense variant.
Genome position (GRCh38, 1-based): chr22:50,290,373, G>A on the plus strand (C>T on the coding strand, the complement: PLXNB2 is on the minus strand). VCF-style: chr22-50290373-G-A. GRCh37 (hg19) VCF-style: chr22-50728802-G-A.
Other names: c.212C>T, p.Pro71Leu (NM_001376864.1, NM_001376865.1, NM_001376866.1 and 20 more transcripts); short protein forms P71L.
Identifiers: ClinVar variation 4278600 (VCV004278600.1).

ClinVar aggregate classification (germline): Uncertain significance (1 of 4 stars; one submission).

gnomAD v4.1: 3 of 1,612,832 alleles (0.00019%); highest among the groups gnomAD compares: Non-Finnish European, 0.00025%; no homozygotes.

Submission:

GeneDx
Classification: Uncertain significance. Last evaluated: 2022-01-14. Review status: criteria provided, single submitter. Criteria: GeneDx Variant Classification Process June 2021. Collection method: clinical testing. Allele origin: germline. Affected: yes.
Comment: Has not been previously published as pathogenic or benign to our knowledge; In silico analysis supports that this missense variant has a deleterious effect on protein structure/function; Variants in candidate genes are classified as variants of uncertain significance in accordance with ACMG guidelines (Richards et al., 2015)